The following is an entry in ClinVar:

NM_001035.3(RYR2):c.5822G>A (p.Arg1941His)

Gene: RYR2 (ryanodine receptor 2; plus strand). Cytogenetic location: 1q43.
Variant type: single nucleotide variant.
Coding change: c.5822G>A on transcript NM_001035.3 (MANE Select); coding-DNA position 5822, G replaced by A.
Protein change: p.Arg1941His; replaces arginine 1941 with histidine.
Molecular consequence: missense variant.
Genome position (GRCh38, 1-based): chr1:237,617,392, G>A. VCF-style: chr1-237617392-G-A. GRCh37 (hg19) VCF-style: chr1-237780692-G-A.
Other names: p.Arg1941His; c.5822G>A, p.Arg1941His (LRG_402t1); short protein forms R1941H.
Identifiers: ClinVar variation 375865 (VCV000375865.26), dbSNP rs373600053, ClinGen allele CA086980.

ClinVar aggregate classification (germline): Uncertain significance. Review status: criteria provided, multiple submitters, no conflicts (2 of 4 stars). 10 submissions from 10 submitters: Uncertain significance (7). 3 of the submissions do not count toward it. Last evaluated 2026-02-02.

Conditions:
Catecholaminergic polymorphic ventricular tachycardia (CVPT). Also called: Catecholamine-induced polymorphic ventricular tachycardia. Identifiers: Orphanet 3286, MedGen C5574922, MONDO:0017990.
Arrhythmogenic right ventricular dysplasia 2. Identifiers: MedGen C1832931.
Catecholaminergic polymorphic ventricular tachycardia 1. Also called: VENTRICULAR TACHYCARDIA, STRESS-INDUCED POLYMORPHIC 1; RYR2-Related Catecholaminergic Polymorphic Ventricular Tachycardia; VENTRICULAR TACHYCARDIA, CATECHOLAMINERGIC POLYMORPHIC, 1, WITH OR WITHOUT ATRIAL DYSFUNCTION AND/OR DILATED CARDIOMYOPATHY. Identifiers: Orphanet 3286, MedGen C1631597, MONDO:0011484, OMIM 604772.
Ventricular arrhythmias due to cardiac ryanodine receptor calcium release deficiency syndrome. Also called: Autosomal dominant cardiac arrhythmia (Kuhn). Identifiers: MedGen C5542154, MONDO:0020745, OMIM 115000.
Cardiovascular phenotype. Identifiers: MedGen CN230736.
Arrhythmogenic right ventricular cardiomyopathy (ARVD). Also called: Cardiomyopathy, ARVC; Arrhythmogenic right ventricular dysplasia; Arrhythmogenic cardiomyopathy; Arrhythmogenic Right Ventricular Cardiomyopathy (ARVC). Identifiers: Orphanet 247, MedGen C0349788, MeSH D019571, MONDO:0016587. Disease mechanism: loss of function. Inheritance: Various modes of inheritance.
Cardiomyopathy (CMYO). Also called: Cardiomyopathies. Identifiers: Orphanet 167848, MedGen C0878544, MONDO:0004994, HP:0001638. Inheritance: Various modes of inheritance.

Allele frequency attached by ClinVar (database versions not stated): ExAC 0.00002; gnomAD exomes 0.00003 and 0.00007; TOPMed 0.00004; gnomAD 0.00006 and 0.00007; ESP Exome Variant Server 0.00008.
gnomAD v4.1: 110 of 1,613,820 alleles (0.0068%); highest among the groups gnomAD compares: Non-Finnish European, 0.0087%; no homozygotes.

Submissions (10):

Women's Health and Genetics/Laboratory Corporation of America, LabCorp
Classification: Uncertain significance. Last evaluated: 2026-02-02. Review status: criteria provided, single submitter. Criteria: LabCorp Variant Classification Summary - May 2015. Collection method: clinical testing. Allele origin: germline.
Comment: Variant summary: RYR2 c.5822G>A (p.Arg1941His) results in a non-conservative amino acid change in the encoded protein sequence. Algorithms developed to predict the effect of missense changes on protein structure and function all suggest that this variant is likely to be disruptive. The variant allele was found at a frequency of 2.8e-05 in 248966 control chromosomes. The available data on variant occurrences in the general population are insufficient to allow any conclusion about variant significance. c.5822G>A has been observed in individual(s) affected with Arrhythmogenic right ventricular cardiomyopathy/dysplasia. These report(s) do not provide unequivocal conclusions about association of the variant with Catecholaminergic Polymorphic Ventricular Tachycardia. To our knowledge, no experimental evidence demonstrating an impact on protein function has been reported. The following publication have been ascertained in the context of this evaluation (PMID: 25041964). ClinVar contains an entry for this variant (Variation ID: 375865). Based on the evidence outlined above, the variant was classified as uncertain significance.

Labcorp Genetics (formerly Invitae), Labcorp
Classification: Uncertain significance for Catecholaminergic polymorphic ventricular tachycardia 1. Last evaluated: 2025-10-10. Review status: criteria provided, single submitter. Criteria: Invitae Variant Classification Sherloc (09022015). Collection method: clinical testing. Allele origin: germline.
Comment: This sequence change replaces arginine, which is basic and polar, with histidine, which is basic and polar, at codon 1941 of the RYR2 protein (p.Arg1941His). This variant is present in population databases (rs373600053, gnomAD 0.006%). This variant has not been reported in the literature in individuals affected with RYR2-related conditions. ClinVar contains an entry for this variant (Variation ID: 375865). Invitae Evidence Modeling of protein sequence and biophysical properties (such as structural, functional, and spatial information, amino acid conservation, physicochemical variation, residue mobility, and thermodynamic stability) indicates that this missense variant is not expected to disrupt RYR2 protein function with a negative predictive value of 95%. In summary, the available evidence is currently insufficient to determine the role of this variant in disease. Therefore, it has been classified as a Variant of Uncertain Significance.

Ambry Genetics
Classification: Uncertain significance for Cardiovascular phenotype. Last evaluated: 2025-09-17. Review status: criteria provided, single submitter. Criteria: Ambry Variant Classification Scheme 2023. Collection method: clinical testing. Allele origin: germline.
Comment: The p.R1941H variant (also known as c.5822G>A), located in coding exon 38 of the RYR2 gene, results from a G to A substitution at nucleotide position 5822. The arginine at codon 1941 is replaced by histidine, an amino acid with highly similar properties. This amino acid position is well conserved in available vertebrate species. In addition, the in silico prediction for this alteration is inconclusive. Based on the available evidence, the clinical significance of this variant remains unclear.

All of Us Research Program, National Institutes of Health
Classification: Uncertain significance for Catecholaminergic polymorphic ventricular tachycardia. Last evaluated: 2024-09-23. Review status: criteria provided, single submitter. Criteria: ACMG Guidelines, 2015. Collection method: clinical testing. Allele origin: germline. Inheritance: Autosomal dominant inheritance. Observed: 9 variant alleles, 9 heterozygotes.
Comment: This missense variant replaces arginine with histidine at codon 1941 of the RYR2 protein. Computational prediction suggests that this variant may not impact protein structure and function (internally defined REVEL score threshold <= 0.5, PMID: 27666373). Splice site prediction tools suggest that this variant may not impact RNA splicing. To our knowledge, functional studies have not been performed for this variant. This variant has not been reported in individuals affected with cardiovascular disorders in the literature. This variant has been identified in 9/280370 chromosomes in the general population by the Genome Aggregation Database (gnomAD). The available evidence is insufficient to determine the role of this variant in disease conclusively. Therefore, this variant is classified as a Variant of Uncertain Significance.

This study involves interpretation of variants in research participants for the purpose of population health screening. Participant phenotype was not available at the time of variant classification. Additional details can be found in publication PMID: 35346344, PMCID: PMC8962531

Mayo Clinic Laboratories, Mayo Clinic
Classification: Uncertain significance. Last evaluated: 2024-06-06. Review status: criteria provided, single submitter. Criteria: ACMG Guidelines, 2015. Collection method: clinical testing. Allele origin: germline. Observed: 2 variant alleles.

Color Diagnostics, LLC DBA Color Health
Classification: Uncertain significance for Cardiomyopathy. Last evaluated: 2024-03-06. Review status: criteria provided, single submitter. Criteria: ACMG Guidelines, 2015. Collection method: clinical testing. Allele origin: germline.
Comment: This missense variant replaces arginine with histidine at codon 1941 of the RYR2 protein. Computational prediction suggests that this variant may not impact protein structure and function (internally defined REVEL score threshold <= 0.5, PMID: 27666373). To our knowledge, functional studies have not been reported for this variant. This variant has not been reported in individuals affected with RYR2-related disorders in the literature. This variant has been identified in 9/280370 chromosomes in the general population by the Genome Aggregation Database (gnomAD). The available evidence is insufficient to determine the role of this variant in disease conclusively. Therefore, this variant is classified as a Variant of Uncertain Significance.

Fulgent Genetics
Classification: Uncertain significance for Ventricular arrhythmias due to cardiac ryanodine receptor calcium release deficiency syndrome; Catecholaminergic polymorphic ventricular tachycardia 1. Last evaluated: 2021-08-20. Review status: criteria provided, single submitter. Criteria: ACMG Guidelines, 2015. Collection method: clinical testing. Allele origin: unknown.

CSER _CC_NCGL, University of Washington
Classification: Uncertain significance for Arrhythmogenic right ventricular dysplasia. Last evaluated: 2016-08-01. Review status: no assertion criteria provided. Collection method: research. Allele origin: germline. Inheritance: Autosomal dominant inheritance. Study: CSER - NEXT Medicine variant annotation. Not counted in ClinVar's aggregate classification.

Diagnostic Laboratory, Department of Genetics, University Medical Center Groningen
Classification: Uncertain significance. Review status: no assertion criteria provided. Collection method: clinical testing. Allele origin: germline. Affected: yes. Study: VKGL Data-share Consensus. Not counted in ClinVar's aggregate classification.

Joint Genome Diagnostic Labs from Nijmegen and Maastricht, Radboudumc and MUMC+
Classification: Uncertain significance. Review status: no assertion criteria provided. Collection method: clinical testing. Allele origin: germline. Affected: yes. Study: VKGL Data-share Consensus. Not counted in ClinVar's aggregate classification.

Literature cited by the submitters: PubMed 25041964 (cited by Women's Health and Genetics/Laboratory Corporation of America, LabCorp); PubMed 28416588 (cited by Mayo Clinic Laboratories, Mayo Clinic).